The following is an entry in ClinVar:

NM_000264.5(PTCH1):c.212C>T (p.Thr71Ile)

Gene: PTCH1 (patched 1; minus strand). Cytogenetic location: 9q22.32.
Variant type: single nucleotide variant.
Coding change: c.212C>T on transcript NM_000264.5 (MANE Select); coding-DNA position 212, C replaced by T.
Protein change: p.Thr71Ile; replaces threonine 71 with isoleucine.
Molecular consequence: missense variant. On other transcripts: 5 prime UTR variant (4), non-coding transcript variant (1).
Genome position (GRCh38, 1-based): chr9:95,506,589, G>A on the plus strand (C>T on the coding strand, the complement: PTCH1 is on the minus strand). VCF-style: chr9-95506589-G-A. GRCh37 (hg19) VCF-style: chr9-98268871-G-A.
Other names: c.14C>T, p.Thr5Ile (NM_001083602.3, NM_001354919.2); c.209C>T, p.Thr70Ile (NM_001083603.3); c.-242C>T (NM_001083604.3, NM_001083605.3, NM_001083606.3 and 1 more transcripts); c.212C>T, p.Thr71Ile (NM_001354918.2); c.212C>T (NM_000264.4); short protein forms T5I, T71I, T70I.
Identifiers: ClinVar variation 135098 (VCV000135098.19), dbSNP rs529720410, ClinGen allele CA161689.

ClinVar aggregate classification (germline): Likely benign. Review status: criteria provided, multiple submitters, no conflicts (2 of 4 stars). 6 submissions from 6 submitters: Likely benign (4). 2 of the submissions do not count toward it. Last evaluated 2025-12-28.

Conditions:
Hereditary cancer-predisposing syndrome. Also called: Tumor predisposition; Hereditary neoplastic syndrome; Neoplastic Syndromes, Hereditary; Hereditary Cancer Syndrome. Identifiers: Orphanet 140162, MedGen C0027672, MeSH D009386, MONDO:0015356.
Gorlin syndrome. Also called: Nevoid Basal Cell Carcinoma Syndrome; Basal cell nevus syndrome. Identifiers: Orphanet 377, MedGen C0004779, MONDO:0007187.
PTCH1-related disorder. Also called: PTCH1-related disorders; PTCH1-related condition.

Allele frequency attached by ClinVar (database versions not stated): gnomAD 0.00001 and 0.00003; TOPMed 0.00002; gnomAD exomes 0.00003 and 0.00007; ExAC 0.00008; 1000 Genomes Project 0.00020; 1000 Genomes Project 30x 0.00047.
gnomAD v4.1: 61 of 1,611,908 alleles (0.0038%); highest among the groups gnomAD compares: South Asian, 0.041%; no homozygotes.

Submissions (6):

Labcorp Genetics (formerly Invitae), Labcorp
Classification: Likely benign for Gorlin syndrome. Last evaluated: 2025-12-28. Review status: criteria provided, single submitter. Criteria: Invitae Variant Classification Sherloc (09022015). Collection method: clinical testing. Allele origin: germline.

Quest Diagnostics Nichols Institute San Juan Capistrano
Classification: Likely benign. Last evaluated: 2023-05-12. Review status: criteria provided, single submitter. Criteria: Quest Diagnostics criteria. Collection method: clinical testing. Allele origin: unknown.

Ambry Genetics
Classification: Likely benign for Hereditary cancer-predisposing syndrome. Last evaluated: 2022-05-24. Review status: criteria provided, single submitter. Criteria: Ambry Variant Classification Scheme 2023. Collection method: clinical testing. Allele origin: germline.

GeneDx
Classification: Likely benign. Last evaluated: 2020-06-23. Review status: criteria provided, single submitter. Criteria: GeneDx Variant Classification Process June 2021. Collection method: clinical testing. Allele origin: germline. Affected: yes.
Comment: See Variant Classification Assertion Criteria.

PreventionGenetics, part of Exact Sciences
Classification: Likely benign for PTCH1-related condition. Last evaluated: 2023-04-23. Review status: no assertion criteria provided. Collection method: clinical testing. Allele origin: germline. Not counted in ClinVar's aggregate classification.
Comment: This variant is classified as likely benign based on ACMG/AMP sequence variant interpretation guidelines (Richards et al. 2015 PMID: 25741868, with internal and published modifications).

ITMI
No classification provided. Condition: AllHighlyPenetrant. Last evaluated: 2013-09-19. Review status: no classification provided. Collection method: reference population. Allele origin: germline. Not counted in ClinVar's aggregate classification.
Comment: Please see associated publication for description of ethnicities

Literature cited by the submitters: PubMed 30093976 (cited by Quest Diagnostics Nichols Institute San Juan Capistrano and Ambry Genetics); PubMed 24728327 (cited by 3 submitters).